The following is an entry in ClinVar:

NM_014956.5(CEP164):c.687+1G>A

Gene: CEP164 (centrosomal protein 164; plus strand). Cytogenetic location: 11q23.3.
Variant type: single nucleotide variant.
Coding change: c.687+1G>A on transcript NM_014956.5 (MANE Select); the canonical splice donor site of the intron after coding-DNA position 687, G replaced by A.
Molecular consequence: splice donor variant.
Genome position (GRCh38, 1-based): chr11:117,362,539, G>A. VCF-style: chr11-117362539-G-A. GRCh37 (hg19) VCF-style: chr11-117233255-G-A.
Other names: c.687+1G>A (NM_001271933.2).
Identifiers: ClinVar variation 1949159 (VCV001949159.6), dbSNP rs193201363, ClinGen allele CA6294544.

ClinVar aggregate classification (germline): Likely pathogenic. Review status: criteria provided, multiple submitters, no conflicts (2 of 4 stars). 2 submissions from 2 submitters: Likely pathogenic (2). Last evaluated 2025-07-23.

Conditions:
Nephronophthisis 15 (NPHP15). Identifiers: Orphanet 3156, MedGen C3541853, MONDO:0013917, OMIM 614845.
Renal dysplasia and retinal aplasia (SLSN). Also called: Senior-Loken syndrome. Identifiers: Orphanet 3156, MedGen C0403553, MONDO:0017842.

Allele frequency attached by ClinVar (database versions not stated): gnomAD exomes below 0.00001; ExAC 0.00001; gnomAD 0.00001; 1000 Genomes Project 30x 0.00016; 1000 Genomes Project 0.00020.
gnomAD v4.1: 2 of 1,612,954 alleles (0.00012%); highest among the groups gnomAD compares: Admixed American, 0.0017%; no homozygotes.

Submissions (2):

Labcorp Genetics (formerly Invitae), Labcorp
Classification: Likely pathogenic for Nephronophthisis 15. Last evaluated: 2025-07-23. Review status: criteria provided, single submitter. Criteria: Invitae Variant Classification Sherloc (09022015). Collection method: clinical testing. Allele origin: germline.
Comment: This sequence change affects a donor splice site in intron 7 of the CEP164 gene. It is expected to disrupt RNA splicing. Variants that disrupt the donor or acceptor splice site typically lead to a loss of protein function (PMID: 16199547), and loss-of-function variants in CEP164 are known to be pathogenic (PMID: 22863007, 28125082, 32367404, 34132027, 34499853). This variant is not present in population databases (gnomAD no frequency). This variant has not been reported in the literature in individuals affected with CEP164-related conditions. ClinVar contains an entry for this variant (Variation ID: 1949159). Algorithms developed to predict the effect of sequence changes on RNA splicing suggest that this variant may disrupt the consensus splice site. In summary, the currently available evidence indicates that the variant is pathogenic, but additional data are needed to prove that conclusively. Therefore, this variant has been classified as Likely Pathogenic.

Clinical Genomics Laboratory, Stanford Medicine
Classification: Likely pathogenic for Nephronophthisis 15; Renal dysplasia and retinal aplasia. Last evaluated: 2023-03-30. Review status: criteria provided, single submitter. Criteria: ACMG Guidelines, 2015. Collection method: clinical testing. Allele origin: germline. Inheritance: Autosomal recessive inheritance. Observed: 1 variant allele, 1 heterozygote.

Literature cited by the submitters: PubMed 16199547 (cited by Labcorp Genetics (formerly Invitae), Labcorp); PubMed 22863007 (cited by Labcorp Genetics (formerly Invitae), Labcorp); PubMed 28125082 (cited by Labcorp Genetics (formerly Invitae), Labcorp); PubMed 32367404 (cited by Labcorp Genetics (formerly Invitae), Labcorp); PubMed 34132027 (cited by Labcorp Genetics (formerly Invitae), Labcorp); PubMed 34499853 (cited by Labcorp Genetics (formerly Invitae), Labcorp).